The following is an entry in ClinVar:

ClinVar aggregate classification (germline): Likely benign. Review status: criteria provided, multiple submitters, no conflicts (2 of 4 stars). 2 submissions from 2 submitters: Likely benign (2). Last evaluated 2024-05-06.

Conditions:
Infantile neuroaxonal dystrophy (NBIA2A). Also called: NEURODEGENERATION WITH BRAIN IRON ACCUMULATION 2A; SEITELBERGER DISEASE; Infantile neuroaxonal dystrophy 1. Identifiers: Orphanet 35069, MedGen C0270724, MONDO:0024457, OMIM 256600.

Allele frequency attached by ClinVar (database versions not stated): gnomAD exomes 0.00001; TOPMed below 0.00001.
gnomAD v4.1: 6 of 939,542 alleles (0.00064%); highest among the groups gnomAD compares: Admixed American, 0.0058%; no homozygotes.

Submissions (2):

Labcorp Genetics (formerly Invitae), Labcorp
Classification: Likely benign for Infantile neuroaxonal dystrophy. Last evaluated: 2024-05-06. Review status: criteria provided, single submitter. Criteria: Invitae Variant Classification Sherloc (09022015). Collection method: clinical testing. Allele origin: germline.

GeneDx
Classification: Likely benign. Last evaluated: 2021-06-21. Review status: criteria provided, single submitter. Criteria: GeneDx Variant Classification Process June 2021. Collection method: clinical testing. Allele origin: germline. Affected: yes.
Comment: This variant is associated with the following publications: (PMID: 27535533)

NM_003560.4(PLA2G6):c.882C>T (p.Ala294=)

Gene: PLA2G6 (phospholipase A2 group VI; minus strand). Cytogenetic location: 22q13.1.
Variant type: single nucleotide variant.
Coding change: c.882C>T on transcript NM_003560.4 (MANE Select); coding-DNA position 882, C replaced by T.
Protein change: p.Ala294=; no amino-acid change (alanine 294 retained).
Molecular consequence: synonymous variant.
Genome position (GRCh38, 1-based): chr22:38,135,000, G>A on the plus strand (C>T on the coding strand, the complement: PLA2G6 is on the minus strand). VCF-style: chr22-38135000-G-A. GRCh37 (hg19) VCF-style: chr22-38531007-G-A.
Other names: c.882C>T, p.Ala294= (NM_001004426.3, NM_001199562.3, NM_001349864.2 and 2 more transcripts); c.348C>T, p.Ala116= (NM_001349867.2, NM_001349869.2); c.204C>T, p.Ala68= (NM_001349868.2).
Identifiers: ClinVar variation 1329643 (VCV001329643.6), dbSNP rs912829352, ClinGen allele CA324203155.